The following is an entry in ClinVar:

ClinVar aggregate classification (germline): Benign. Review status: criteria provided, single submitter (1 of 4 stars). 2 submissions from 2 submitters: Benign (1). 1 of the submissions does not count toward it. Last evaluated 2026-02-01.

Conditions:
MCM3AP-related disorder. Also called: MCM3AP-related condition.

Allele frequency attached by ClinVar (database versions not stated): gnomAD 0.00002 and 0.00008; TOPMed 0.00005; gnomAD exomes 0.00014 and 0.00020; ExAC 0.00022; 1000 Genomes Project 30x 0.00109; 1000 Genomes Project 0.00140.
gnomAD v4.1: 207 of 1,614,098 alleles (0.013%); highest among the groups gnomAD compares: East Asian, 0.46%; 2 homozygotes.

Submissions (2):

Labcorp Genetics (formerly Invitae), Labcorp
Classification: Benign. Last evaluated: 2026-02-01. Review status: criteria provided, single submitter. Criteria: Invitae Variant Classification Sherloc (09022015). Collection method: clinical testing. Allele origin: germline.

PreventionGenetics, part of Exact Sciences
Classification: Likely benign for MCM3AP-related condition. Last evaluated: 2019-08-29. Review status: no assertion criteria provided. Collection method: clinical testing. Allele origin: germline. Not counted in ClinVar's aggregate classification.
Comment: This variant is classified as likely benign based on ACMG/AMP sequence variant interpretation guidelines (Richards et al. 2015 PMID: 25741868, with internal and published modifications).

NM_003906.5(MCM3AP):c.456A>G (p.Ala152=)

Gene: MCM3AP (minichromosome maintenance complex component 3 associated protein; minus strand). Cytogenetic location: 21q22.3.
Variant type: single nucleotide variant.
Coding change: c.456A>G on transcript NM_003906.5 (MANE Select); coding-DNA position 456, A replaced by G.
Protein change: p.Ala152=; no amino-acid change (alanine 152 retained).
Molecular consequence: synonymous variant.
Genome position (GRCh38, 1-based): chr21:46,284,831, T>C on the plus strand (A>G on the coding strand, the complement: MCM3AP is on the minus strand). VCF-style: chr21-46284831-T-C. GRCh37 (hg19) VCF-style: chr21-47704745-T-C.
Other names: c.456A>G (NM_003906.4).
Identifiers: ClinVar variation 1628879 (VCV001628879.10), dbSNP rs76483768, ClinGen allele CA10077339.